The following is an entry in ClinVar:

ClinVar aggregate classification (germline): Pathogenic/Likely pathogenic. Review status: criteria provided, multiple submitters, no conflicts (2 of 4 stars). 6 submissions from 6 submitters: Pathogenic (3); Likely pathogenic (3). Last evaluated 2026-01-26.

Conditions:
Deficiency of ferroxidase (ACEP). Also called: Deficiency of ceruloplasmin; NEURODEGENERATION WITH BRAIN IRON ACCUMULATION 10; Aceruloplasminemia; Ceruloplasmin deficiency; Familial apoceruloplasmin deficiency; Hereditary ceruloplasmin deficiency. Identifiers: Orphanet 48818, MedGen C0878682, MONDO:0011426, OMIM 604290, HP:0025498.

Submissions (6):

Medical and Scientific Branch, Hong Kong Genome Institute
Classification: Pathogenic for Deficiency of ferroxidase. Last evaluated: 2026-01-26. Review status: criteria provided, single submitter. Criteria: ACMG Guidelines, 2015. Collection method: clinical testing. Allele origin: biparental. Affected: yes.

Revvity Omics, Revvity
Classification: Pathogenic for Deficiency of ferroxidase. Last evaluated: 2024-12-23. Review status: criteria provided, single submitter. Criteria: ACMG Guidelines, 2015. Collection method: clinical testing. Allele origin: germline.

GeneDx
Classification: Likely pathogenic. Last evaluated: 2024-11-13. Review status: criteria provided, single submitter. Criteria: GeneDx Variant Classification Process June 2021. Collection method: clinical testing. Allele origin: germline. Affected: yes.
Comment: RNA studies demonstrate a damaging effect and suggest that this variant results in truncated protein product due to exon skipping (PMID: 35314108); Canonical splice site variant predicted to result in an in-frame loss of the adjacent exon in a gene for which loss of function is a known mechanism of disease; This variant is associated with the following publications: (PMID: 35868289, 12879954, 35314108)

Fulgent Genetics
Classification: Likely pathogenic for Deficiency of ferroxidase. Last evaluated: 2024-04-28. Review status: criteria provided, single submitter. Criteria: ACMG Guidelines, 2015. Collection method: clinical testing. Allele origin: germline.

Labcorp Genetics (formerly Invitae), Labcorp
Classification: Pathogenic for Deficiency of ferroxidase. Last evaluated: 2021-06-01. Review status: criteria provided, single submitter. Criteria: Invitae Variant Classification Sherloc (09022015). Collection method: clinical testing. Allele origin: germline.
Comment: For these reasons, this variant has been classified as Pathogenic. Algorithms developed to predict the effect of sequence changes on RNA splicing suggest that this variant may disrupt the consensus splice site, but this prediction has not been confirmed by published transcriptional studies. This variant has not been reported in the literature in individuals with CP-related conditions. This variant is also known as c.607+1del. ClinVar contains an entry for this variant (Variation ID: 426814). This variant is present in population databases (rs753254095, ExAC 0.03%). This sequence change creates a premature translational stop signal (p.Asp203Ilefs*3) in the CP gene. It is expected to result in an absent or disrupted protein product. Loss-of-function variants in CP are known to be pathogenic (PMID: 16629161).

Juno Genomics, Hangzhou Juno Genomics, Inc
Classification: Likely pathogenic for Deficiency of ferroxidase. Review status: criteria provided, single submitter. Criteria: ACMG Guidelines, 2015. Collection method: clinical testing. Allele origin: germline.
Comment: Absent from controls (or at extremely low frequency if recessive) in Genome Aggregation Database.;Null variant in a gene where loss of function (LOF) is a known mechanism of disease.;For recessive disorders, detected in trans with a pathogenic variant.

Literature cited by the submitters: PubMed 16629161 (cited by Labcorp Genetics (formerly Invitae), Labcorp).

NM_000096.4(CP):c.607+1del

Gene: CP (ceruloplasmin; minus strand). Cytogenetic location: 3q25.1.
Variant type: Deletion.
Coding change: c.607+1del on transcript NM_000096.4 (MANE Select); the canonical splice donor site of the intron after coding-DNA position 607, one base deleted (G; older notation c.607+1delG).
Molecular consequence: splice donor variant.
Genome position (GRCh38, 1-based): chr3:149,210,166, C deleted on the plus strand (G on the coding strand, the reverse complement: CP is on the minus strand); the first of 2 consecutive C bases (chr3:149,210,166-149,210,167); deleting either gives the same sequence. VCF-style (leftmost placement, unchanged base first): chr3-149210165-AC-A. GRCh37 (hg19) VCF-style: chr3-148927952-AC-A.
Other names: c.607+1delG (NM_000096.3).
Identifiers: ClinVar variation 426814 (VCV000426814.16), dbSNP rs753254095, ClinGen allele CA2661285.
Genomic context (GRCh38, chr3:149,210,165, plus strand): 5'-AGACAAACTGCCCTGCCCCTGTCTTTTGGTCATATAGCATGTGCAATAAGGAGAAGATGT[AC>A]CTTTTTTACAGATTATTAAAGGTCCGATGAGTCCTGAGGCAATATCTTTTGGAGCATCAA-3'